The following is an entry in ClinVar:

NM_199355.4(ADAMTS18):c.1985C>G (p.Pro662Arg)

Gene: ADAMTS18 (ADAM metallopeptidase with thrombospondin type 1 motif 18; minus strand). Cytogenetic location: 16q23.1.
Variant type: single nucleotide variant.
Coding change: c.1985C>G on transcript NM_199355.4 (MANE Select); coding-DNA position 1985, C replaced by G.
Protein change: p.Pro662Arg; replaces proline 662 with arginine.
Molecular consequence: missense variant.
Genome position (GRCh38, 1-based): chr16:77,325,913, G>C on the plus strand (C>G on the coding strand, the complement: ADAMTS18 is on the minus strand). VCF-style: chr16-77325913-G-C. GRCh37 (hg19) VCF-style: chr16-77359810-G-C.
Other names: c.1469C>G, p.Pro490Arg (NM_001326358.2); short protein forms P662R, P490R.
Identifiers: ClinVar variation 843787 (VCV000843787.6), dbSNP rs747420099, ClinGen allele CA8181104.

ClinVar aggregate classification (germline): Uncertain significance. Review status: criteria provided, multiple submitters, no conflicts (2 of 4 stars). 2 submissions from 2 submitters: Uncertain significance (2). Last evaluated 2023-09-11.

Conditions:
Microcornea-myopic chorioretinal atrophy. Also called: Microcornea, myopic chorioretinal atrophy, and telecanthus. Identifiers: Orphanet 369970, MedGen C3809567, MONDO:0014195, OMIM 615458.

Allele frequency attached by ClinVar (database versions not stated): gnomAD 0.00005 and 0.00006; ExAC 0.00011; TOPMed 0.00025.
gnomAD v4.1: 115 of 1,614,024 alleles (0.0071%); highest among the groups gnomAD compares: East Asian, 0.13%; no homozygotes.

Submissions (2):

Labcorp Genetics (formerly Invitae), Labcorp
Classification: Uncertain significance. Last evaluated: 2023-09-11. Review status: criteria provided, single submitter. Criteria: Invitae Variant Classification Sherloc (09022015). Collection method: clinical testing. Allele origin: germline.
Comment: This sequence change replaces proline, which is neutral and non-polar, with arginine, which is basic and polar, at codon 662 of the ADAMTS18 protein (p.Pro662Arg). This variant is present in population databases (rs747420099, gnomAD 0.2%). This missense change has been observed in individual(s) with retinitis pigmentosa (PMID: 28512305). ClinVar contains an entry for this variant (Variation ID: 843787). An algorithm developed to predict the effect of missense changes on protein structure and function (PolyPhen-2) suggests that this variant¬†is likely to be tolerated. In summary, the available evidence is currently insufficient to determine the role of this variant in disease. Therefore, it has been classified as a Variant of Uncertain Significance.

Fulgent Genetics
Classification: Uncertain significance for Microcornea-myopic chorioretinal atrophy. Last evaluated: 2022-03-21. Review status: criteria provided, single submitter. Criteria: ACMG Guidelines, 2015. Collection method: clinical testing. Allele origin: unknown.

Literature cited by the submitters: PubMed 28512305 (cited by Labcorp Genetics (formerly Invitae), Labcorp).